The following is an entry in ClinVar:

NM_007294.4(BRCA1):c.3115del (p.Ala1039fs)

Gene: BRCA1 (BRCA1 DNA repair associated; minus strand). Cytogenetic location: 17q21.31.
Variant type: Deletion.
Coding change: c.3115del on transcript NM_007294.4 (MANE Select); coding-DNA position 3115, one base deleted (G; older notation c.3115delG).
Protein change: p.Ala1039fs; shifts the reading frame from alanine 1039.
Molecular consequence: frameshift variant. On other transcripts: intron variant (137).
Genome position (GRCh38, 1-based): chr17:43,092,416, C deleted on the plus strand (G on the coding strand, the reverse complement: BRCA1 is on the minus strand). VCF-style (leftmost placement, unchanged base first): chr17-43092415-GC-G. GRCh37 (hg19) VCF-style: chr17-41244432-GC-G.
Other names: 3234delG; c.2971del, p.Ala991fs (NM_001407744.1, NM_001407745.1, NM_001407746.1 and 20 more transcripts); c.2974del, p.Ala992fs (NM_001407750.1, NM_001407751.1, NM_001407752.1 and 29 more transcripts); c.2902del, p.Ala968fs (NM_001407853.1, NM_001407894.1, NM_001407895.1 and 9 more transcripts); c.3115del, p.Ala1039fs (NM_001407854.1, NM_001407858.1, NM_001407859.1 and 30 more transcripts); c.3112del, p.Ala1038fs (NM_001407860.1, NM_001407861.1, NM_001407587.1 and 22 more transcripts); c.2914del, p.Ala972fs (NM_001407862.1); c.2992del, p.Ala998fs (NM_001407863.1, NM_001407919.1, NM_001407937.1 and 19 more transcripts); and 42 more; short protein forms A992fs, A1039fs, A871fs, A969fs, A971fs, A972fs, A991fs, A998fs.
Identifiers: ClinVar variation 266336 (VCV000266336.6), dbSNP rs886040098, ClinGen allele CA10589783.

ClinVar aggregate classification (germline): Pathogenic. Review status: reviewed by expert panel (3 of 4 stars). 3 submissions from 3 submitters: Pathogenic (1). 2 of the submissions do not count toward it. Last evaluated 2016-10-18.

Conditions:
Hereditary breast ovarian cancer syndrome. Also called: Hereditary breast and ovarian cancer syndrome (HBOC); Breast and ovarian cancer; Hereditary breast and ovarian cancer syndrome; Hereditary breast and ovarian cancer; BRCA1- and BRCA2-Associated Hereditary Breast and Ovarian Cancer; Hereditary breast and/or ovarian cancer syndrome. Identifiers: Orphanet 145, MedGen C0677776, MeSH D061325, MONDO:0003582. Disease mechanism: loss of function.
Breast-ovarian cancer, familial, susceptibility to, 1 (BROVCA1). Also called: BRCA1 Hereditary Breast and Ovarian Cancer; OVARIAN CANCER, SUSCEPTIBILITY TO. Identifiers: Orphanet 145, MedGen C2676676, MONDO:0011450, OMIM 604370. Disease mechanism: loss of function.

Allele frequency attached by ClinVar (database versions not stated): gnomAD exomes below 0.00001.

Submissions (3):

Evidence-based Network for the Interpretation of Germline Mutant Alleles (ENIGMA)
Classification: Pathogenic for Breast-ovarian cancer, familial, susceptibility to, 1. Last evaluated: 2016-10-18. Review status: reviewed by expert panel. Criteria: ENIGMA BRCA1/2 Classification Criteria (2015). Collection method: curation. Allele origin: germline.
Comment: Variant allele predicted to encode a truncated non-functional protein.

Consortium of Investigators of Modifiers of BRCA1/2 (CIMBA), c/o University of Cambridge
Classification: Pathogenic for Breast-ovarian cancer, familial, susceptibility to, 1. Last evaluated: 2015-10-02. Review status: criteria provided, single submitter. Criteria: CIMBA Mutation Classification guidelines May 2016. Collection method: clinical testing. Allele origin: germline. Not counted in ClinVar's aggregate classification.

Research Molecular Genetics Laboratory, Women's College Hospital, University of Toronto
Classification: Pathogenic for Hereditary breast ovarian cancer syndrome. Last evaluated: 2014-01-31. Review status: no assertion criteria provided. Collection method: research. Allele origin: germline. Affected: yes. Study: The Canadian Open Genetics Repository (COGR). Not counted in ClinVar's aggregate classification.